The following is an entry in ClinVar:

NR_001566.3(TERC):n.231C>T

Genes: TERC (telomerase RNA component; minus strand), LOC110806306 (telomerase RNA component (TERC) promoter; plus strand). Cytogenetic location: 3q26.2.
Variant type: single nucleotide variant.
Genome position: GRCh38 VCF-style: chr3-169764830-G-A. GRCh37 (hg19) VCF-style: chr3-169482618-G-A.
Identifiers: ClinVar variation 465766 (VCV000465766.12), dbSNP rs906136164, ClinGen allele CA87624049.
Genomic context (GRCh38, chr3:169,764,830, plus strand): 5'-AGTGGGTGCCTCCGGAGAAGCCCCGGGCCGACCGCGGCCTCCAGGCGGGGTTCGGGGGCT[G>A]GGCAGGCGACCCGCCGCAGGTCCCCGGGAGGGGCGAACGGGCCAGCAGCTGACATTTTTT-3'

ClinVar aggregate classification (germline): Uncertain significance. Review status: criteria provided, multiple submitters, no conflicts (2 of 4 stars). 3 submissions from 3 submitters: Uncertain significance (3). Last evaluated 2026-01-18.

Conditions:
TERC-related disorder. Also called: TERC-related condition.
Dyskeratosis congenita, autosomal dominant 1 (DKCA1). Also called: Dyskeratosis congenita Scoggins type. Identifiers: Orphanet 1775, MedGen C4551974, MONDO:0007485, OMIM 127550. Inheritance: Variable.

Allele frequency attached by ClinVar (database versions not stated): gnomAD exomes 0.00001; gnomAD 0.00002; TOPMed 0.00002.
gnomAD v4.1: 10 of 729,346 alleles (0.0014%); highest among the groups gnomAD compares: Non-Finnish European, 0.0023%; no homozygotes.

Submissions (3):

Labcorp Genetics (formerly Invitae), Labcorp
Classification: Uncertain significance for Dyskeratosis congenita, autosomal dominant 1. Last evaluated: 2026-01-18. Review status: criteria provided, single submitter. Criteria: Invitae Variant Classification Sherloc (09022015). Collection method: clinical testing. Allele origin: germline.
Comment: This variant occurs in the TERC gene, which encodes an RNA molecule that does not result in a protein product. The frequency data for this variant in the population databases is considered unreliable, as metrics indicate poor data quality at this position in the gnomAD database. This variant has not been reported in the literature in individuals affected with TERC-related conditions. ClinVar contains an entry for this variant (Variation ID: 465766). Experimental studies and prediction algorithms are not available or were not evaluated, and the functional significance of this variant is currently unknown. This variant is located within the BoxH/ACA scaRNA domain of the TERC RNA component, which is required for telomerase activity (PMID: 21844345). In summary, the available evidence is currently insufficient to determine the role of this variant in disease. Therefore, it has been classified as a Variant of Uncertain Significance.

PreventionGenetics, part of Exact Sciences
Classification: Uncertain significance for TERC-related condition. Last evaluated: 2024-11-26. Review status: criteria provided, single submitter. Criteria: ACMG Guidelines, 2015. Collection method: clinical testing. Allele origin: germline.
Comment: The TERC n.231C>T is a noncoding alteration. To our knowledge, this variant has not been reported in the literature. This variant is reported in 0.0023% of alleles in individuals of European (Non-Finnish) descent in gnomAD. At this time, the clinical significance of this variant is uncertain due to the absence of conclusive functional and genetic evidence.

Blueprint Genetics
Classification: Uncertain significance. Last evaluated: 2019-07-01. Review status: criteria provided, single submitter. Criteria: ACMG Guidelines, 2015. Collection method: clinical testing. Allele origin: germline.

Literature cited by the submitters: PubMed 21844345 (cited by Labcorp Genetics (formerly Invitae), Labcorp).